The following is an entry in ClinVar:

NM_006231.4(POLE):c.4241T>A (p.Ile1414Asn)

Gene: POLE (DNA polymerase epsilon, catalytic subunit; minus strand). Cytogenetic location: 12q24.33.
Variant type: single nucleotide variant.
Coding change: c.4241T>A on transcript NM_006231.4 (MANE Select); coding-DNA position 4241, T replaced by A.
Protein change: p.Ile1414Asn; replaces isoleucine 1414 with asparagine.
Molecular consequence: missense variant.
Genome position (GRCh38, 1-based): chr12:132,643,886, A>T on the plus strand (T>A on the coding strand, the complement: POLE is on the minus strand). VCF-style: chr12-132643886-A-T. GRCh37 (hg19) VCF-style: chr12-133220472-A-T.
Other names: short protein forms I1414N.
Identifiers: ClinVar variation 3308363 (VCV003308363.1).

ClinVar aggregate classification (germline): Uncertain significance (1 of 4 stars; one submission).

Conditions:
Hereditary cancer-predisposing syndrome. Also called: Tumor predisposition; Hereditary Cancer Syndrome; Hereditary neoplastic syndrome; Neoplastic Syndromes, Hereditary. Identifiers: Orphanet 140162, MedGen C0027672, MeSH D009386, MONDO:0015356.

Submission:

Ambry Genetics
Classification: Uncertain significance for Hereditary cancer-predisposing syndrome. Last evaluated: 2024-03-28. Review status: criteria provided, single submitter. Criteria: Ambry Variant Classification Scheme 2023. Collection method: clinical testing. Allele origin: germline.
Comment: The p.I1414N variant (also known as c.4241T>A), located in coding exon 33 of the POLE gene, results from a T to A substitution at nucleotide position 4241. The isoleucine at codon 1414 is replaced by asparagine, an amino acid with dissimilar properties. This amino acid position is conserved. In addition, the in silico prediction for this alteration is inconclusive. Based on the available evidence, the clinical significance of this alteration remains unclear.